The following is an entry in ClinVar:

NM_001353921.2(ARHGEF9):c.946-16C>T

Gene: ARHGEF9 (Cdc42 guanine nucleotide exchange factor 9; minus strand). Cytogenetic location: Xq11.1.
Variant type: single nucleotide variant.
Coding change: c.946-16C>T on transcript NM_001353921.2 (MANE Select); 16 bases into the intron before coding-DNA position 946, C replaced by T.
Molecular consequence: intron variant.
Genome position (GRCh38, 1-based): chrX:63,666,033, G>A on the plus strand (C>T on the coding strand, the complement: ARHGEF9 is on the minus strand). VCF-style: chrX-63666033-G-A. GRCh37 (hg19) VCF-style: chrX-62885913-G-A.
Other names: c.766-16C>T (NM_001173479.2); c.945+8005C>T (NM_001353922.2); c.862-16C>T (NM_001369043.1, NM_001330495.2, NM_001369038.1 and 6 more transcripts); c.964-16C>T (NM_001353923.1); c.861+8005C>T (NM_001369041.1, NM_001353927.2); c.745-16C>T (NM_001369040.1, NM_001369039.1, NM_001353926.2 and 1 more transcripts); c.925-16C>T (NM_001369031.1, NM_001369030.1, NM_001369032.1 and 1 more transcripts); c.510+8005C>T (NM_001369045.1); and 2 more.
Identifiers: ClinVar variation 384100 (VCV000384100.9), dbSNP rs781867369, ClinGen allele CA10431881.
Genomic context (GRCh38, chrX:63,666,033, plus strand): 5'-CCCAGTGTAGATCAGCTCCGAGCTCCTGTCTAGGATGTCCTCGCCCTGGGAAGGACATGT[G>A]ATGATGAGAGGCAGCCAGGCAGAAGGATGGCACCATCACCTGCCTGGAGGCACCCAAGGC-3'

ClinVar aggregate classification (germline): Benign/Likely benign. Review status: criteria provided, multiple submitters, no conflicts (2 of 4 stars). 2 submissions from 2 submitters: Benign (1); Likely benign (1). Last evaluated 2025-10-02.

Conditions:
Developmental and epileptic encephalopathy, 8 (DEE8). Also called: HYPEREKPLEXIA AND EPILEPSY. Identifiers: Orphanet 163985, Orphanet 2076, MedGen C1845102, MONDO:0010375, OMIM 300607.

Allele frequency attached by ClinVar (database versions not stated): ExAC 0.00005; gnomAD exomes 0.00007 and 0.00010; TOPMed 0.00010; gnomAD 0.00011.
gnomAD v4.1: 126 of 1,206,453 alleles (0.01%); highest among the groups gnomAD compares: Non-Finnish European, 0.013%; no homozygotes.

Submissions (2):

Labcorp Genetics (formerly Invitae), Labcorp
Classification: Benign for Developmental and epileptic encephalopathy, 8. Last evaluated: 2025-10-02. Review status: criteria provided, single submitter. Criteria: Invitae Variant Classification Sherloc (09022015). Collection method: clinical testing. Allele origin: germline.

GeneDx
Classification: Likely benign. Last evaluated: 2017-11-28. Review status: criteria provided, single submitter. Criteria: GeneDx Variant Classification (06012015). Collection method: clinical testing. Allele origin: germline. Affected: yes.
Comment: This variant is considered likely benign or benign based on one or more of the following criteria: it is a conservative change, it occurs at a poorly conserved position in the protein, it is predicted to be benign by multiple in silico algorithms, and/or has population frequency not consistent with disease.